The following is an entry in ClinVar:

ClinVar aggregate classification (germline): Benign/Likely benign. Review status: criteria provided, multiple submitters, no conflicts (2 of 4 stars). 3 submissions from 3 submitters: Benign (1); Likely benign (2). Last evaluated 2025-12-24.

Allele frequency attached by ClinVar (database versions not stated): TOPMed 0.00008; gnomAD 0.00009; gnomAD exomes 0.00010; ExAC 0.00025.
gnomAD v4.1: 150 of 1,567,990 alleles (0.0096%); highest among the groups gnomAD compares: South Asian, 0.12%; 2 homozygotes.

Submissions (3):

Labcorp Genetics (formerly Invitae), Labcorp
Classification: Benign. Last evaluated: 2025-12-24. Review status: criteria provided, single submitter. Criteria: Invitae Variant Classification Sherloc (09022015). Collection method: clinical testing. Allele origin: germline.

Blueprint Genetics
Classification: Likely benign. Last evaluated: 2024-11-07. Review status: criteria provided, single submitter. Criteria: ACMG Guidelines, 2015. Collection method: clinical testing. Allele origin: germline.

CeGaT Center for Human Genetics Tuebingen
Classification: Likely benign. Last evaluated: 2023-10-01. Review status: criteria provided, single submitter. Criteria: CeGaT Center For Human Genetics Tuebingen Variant Classification Criteria Version 2. Collection method: clinical testing. Allele origin: germline. Affected: yes. Observed: 1 variant allele.
Comment: MYCN: BP4, BP7

NM_005378.6(MYCN):c.753C>T (p.Ala251=)

Gene: MYCN (MYCN proto-oncogene, bHLH transcription factor; plus strand). Cytogenetic location: 2p24.3.
Variant type: single nucleotide variant.
Coding change: c.753C>T on transcript NM_005378.6 (MANE Select); coding-DNA position 753, C replaced by T.
Protein change: p.Ala251=; no amino-acid change (alanine 251 retained).
Molecular consequence: synonymous variant. On other transcripts: 3 prime UTR variant (1), intron variant (1).
Genome position (GRCh38, 1-based): chr2:15,942,817, C>T. VCF-style: chr2-15942817-C-T. GRCh37 (hg19) VCF-style: chr2-16082939-C-T.
Other names: c.753C>T, p.Ala251= (NM_001293228.2); c.*688C>T (NM_001293233.2); c.157+2074C>T (NM_001293231.2).
Identifiers: ClinVar variation 2183820 (VCV002183820.29), dbSNP rs779755745, ClinGen allele CA1538226.